The following is an entry in ClinVar:

NM_000393.5(COL5A2):c.2302G>A (p.Gly768Arg)

Gene: COL5A2 (collagen type V alpha 2 chain; minus strand). Cytogenetic location: 2q32.2.
Variant type: single nucleotide variant.
Coding change: c.2302G>A on transcript NM_000393.5 (MANE Select); coding-DNA position 2302, G replaced by A.
Protein change: p.Gly768Arg; replaces glycine 768 with arginine.
Molecular consequence: missense variant.
Genome position (GRCh38, 1-based): chr2:189,057,355, C>T on the plus strand (G>A on the coding strand, the complement: COL5A2 is on the minus strand). VCF-style: chr2-189057355-C-T. GRCh37 (hg19) VCF-style: chr2-189922081-C-T.
Other names: short protein forms G768R.
Identifiers: ClinVar variation 3345179 (VCV003345179.1).
Genomic context (GRCh38, chr2:189,057,355, plus strand): 5'-AAAAAAAAAAAAAAAAAGGACTTACTCTGTCACCCTTGGGGCCAGGAGTTCCTGCAATTC[C>T]TCTTTCTCCCGGCATACCTTGAAGACCTGGTGGGCCTGTATCTCCAGGGGTCCCAGATGG-3'
Protein context (NP_000384.2, residues 758-778): PGLQGMPGER[Gly768Arg]IAGTPGPKGD

ClinVar aggregate classification (germline): Uncertain significance (0 of 4 stars; one submission).

Conditions:
COL5A2-related disorder. Also called: COL5A2-related condition.

gnomAD v4.1: 12 of 1,610,912 alleles (0.00074%); highest among the groups gnomAD compares: Non-Finnish European, 0.00076%; no homozygotes.

Submission:

PreventionGenetics, part of Exact Sciences
Classification: Uncertain significance for COL5A2-related condition. Last evaluated: 2024-08-23. Review status: no assertion criteria provided. Collection method: clinical testing. Allele origin: germline.
Comment: The COL5A2 c.2302G>A variant is predicted to result in the amino acid substitution p.Gly768Arg. To our knowledge, this variant has not been reported in the literature. This variant is reported in 0.00088% of alleles in individuals of European (Non-Finnish) descent in gnomAD, which is more common than expected for a primary cause of disease. At this time, the clinical significance of this variant is uncertain due to the absence of conclusive functional and genetic evidence.